The following is an entry in ClinVar:

NM_020949.3(SLC7A14):c.1013T>C (p.Val338Ala)

Genes: SLC7A14 (solute carrier family 7 member 14; minus strand), SLC7A14-AS1 (SLC7A14 antisense RNA 1; plus strand). Cytogenetic location: 3q26.2.
Variant type: single nucleotide variant.
Coding change: c.1013T>C on transcript NM_020949.3 (MANE Select); coding-DNA position 1013, T replaced by C.
Protein change: p.Val338Ala; replaces valine 338 with alanine.
Molecular consequence: missense variant.
Genome position (GRCh38, 1-based): chr3:170,483,416, A>G on the plus strand (T>C on the coding strand, the complement: SLC7A14 is on the minus strand). VCF-style: chr3-170483416-A-G. GRCh37 (hg19) VCF-style: chr3-170201205-A-G.
Other names: short protein forms V338A.
Identifiers: ClinVar variation 966056 (VCV000966056.10), dbSNP rs754520501, ClinGen allele CA2701745.

ClinVar aggregate classification (germline): Uncertain significance. Review status: criteria provided, multiple submitters, no conflicts (2 of 4 stars). 2 submissions from 2 submitters: Uncertain significance (2). Last evaluated 2024-06-02.

Allele frequency attached by ClinVar (database versions not stated): TOPMed below 0.00001; gnomAD 0.00001; ExAC 0.00002; gnomAD exomes 0.00002.

Submissions (2):

Ambry Genetics
Classification: Uncertain significance. Last evaluated: 2024-06-02. Review status: criteria provided, single submitter. Criteria: Ambry Variant Classification Scheme 2023. Collection method: clinical testing. Allele origin: germline.

Labcorp Genetics (formerly Invitae), Labcorp
Classification: Uncertain significance. Last evaluated: 2023-08-04. Review status: criteria provided, single submitter. Criteria: Invitae Variant Classification Sherloc (09022015). Collection method: clinical testing. Allele origin: germline.
Comment: In summary, the available evidence is currently insufficient to determine the role of this variant in disease. Therefore, it has been classified as a Variant of Uncertain Significance. An algorithm developed to predict the effect of missense changes on protein structure and function (PolyPhen-2) suggests that this variant is likely to be tolerated. ClinVar contains an entry for this variant (Variation ID: 966056). This variant has not been reported in the literature in individuals affected with SLC7A14-related conditions. This variant is present in population databases (rs754520501, gnomAD 0.003%). This sequence change replaces valine, which is neutral and non-polar, with alanine, which is neutral and non-polar, at codon 338 of the SLC7A14 protein (p.Val338Ala).